The following is an entry in ClinVar:

ClinVar aggregate classification (germline): Uncertain significance. Review status: criteria provided, multiple submitters, no conflicts (2 of 4 stars). 3 submissions from 3 submitters: Uncertain significance (3). Last evaluated 2026-01-01.

Conditions:
Inborn genetic diseases. Identifiers: MedGen C0950123, MeSH D030342.
Autosomal dominant nocturnal frontal lobe epilepsy 5. Also called: KCNT1-Related Epilepsy; Epilepsy, nocturnal frontal lobe, 5; CILIARY DYSKINESIA, PRIMARY, 28, WITHOUT SITUS INVERSUS; CILIARY DYSKINESIA, PRIMARY, 28, WITH SITUS INVERSUS. Identifiers: Orphanet 98784, MedGen C3554306, MONDO:0014002, OMIM 615005.
Developmental and epileptic encephalopathy, 14 (DEE14). Also called: Early infantile epileptic encephalopathy 14. Identifiers: Orphanet 293181, MedGen C3554195, MONDO:0013989, OMIM 614959.

Allele frequency attached by ClinVar (database versions not stated): gnomAD exomes below 0.00001; TOPMed below 0.00001; gnomAD 0.00001.
gnomAD v4.1: 2 of 1,488,872 alleles (0.00013%); highest among the groups gnomAD compares: Non-Finnish European, 0.00018%; no homozygotes.

Submissions (3):

CeGaT Center for Human Genetics Tuebingen
Classification: Uncertain significance. Last evaluated: 2026-01-01. Review status: criteria provided, single submitter. Criteria: CeGaT Center For Human Genetics Tuebingen Variant Classification Criteria Version 2. Collection method: clinical testing. Allele origin: germline. Affected: yes. Observed: 1 variant allele.
Comment: KCNT1: PM2

Labcorp Genetics (formerly Invitae), Labcorp
Classification: Uncertain significance for Autosomal dominant nocturnal frontal lobe epilepsy 5; Developmental and epileptic encephalopathy, 14. Last evaluated: 2024-01-10. Review status: criteria provided, single submitter. Criteria: Invitae Variant Classification Sherloc (09022015). Collection method: clinical testing. Allele origin: germline.
Comment: This sequence change replaces glycine, which is neutral and non-polar, with glutamic acid, which is acidic and polar, at codon 691 of the KCNT1 protein (p.Gly691Glu). This variant is not present in population databases (gnomAD no frequency). This variant has not been reported in the literature in individuals affected with KCNT1-related conditions. ClinVar contains an entry for this variant (Variation ID: 2327090). Advanced modeling of protein sequence and biophysical properties (such as structural, functional, and spatial information, amino acid conservation, physicochemical variation, residue mobility, and thermodynamic stability) performed at Invitae indicates that this missense variant is not expected to disrupt KCNT1 protein function with a negative predictive value of 80%. In summary, the available evidence is currently insufficient to determine the role of this variant in disease. Therefore, it has been classified as a Variant of Uncertain Significance.

Ambry Genetics
Classification: Uncertain significance for Inborn genetic diseases. Last evaluated: 2022-11-17. Review status: criteria provided, single submitter. Criteria: Ambry Variant Classification Scheme 2023. Collection method: clinical testing. Allele origin: germline.

NM_020822.3(KCNT1):c.2072G>A (p.Gly691Glu)

Gene: KCNT1 (potassium sodium-activated channel subfamily T member 1; plus strand). Cytogenetic location: 9q34.3.
Variant type: single nucleotide variant.
Coding change: c.2072G>A on transcript NM_020822.3 (MANE Select); coding-DNA position 2072, G replaced by A.
Protein change: p.Gly691Glu; replaces glycine 691 with glutamic acid.
Molecular consequence: missense variant.
Genome position (GRCh38, 1-based): chr9:135,772,778, G>A. VCF-style: chr9-135772778-G-A. GRCh37 (hg19) VCF-style: chr9-138664624-G-A.
Other names: c.1937G>A, p.Gly646Glu (NM_001272003.2); short protein forms G646E, G691E.
Identifiers: ClinVar variation 2327090 (VCV002327090.12), dbSNP rs1832845859, ClinGen allele CA375510255.
Genomic context (GRCh38, chr9:135,772,778, plus strand): 5'-CAGTGGCCATGGACCTGCAGGGCACAGAGCACCGGCCTACGCAGAGCGGCGGTGGGGGCG[G>A]GGGCAGCAAGCTGGCACTGCCCACGGAGAACGGCTCGGGCAGCCGGCGGCCCAGCATCGC-3'
Protein context (NP_065873.2, residues 681-701): HRPTQSGGGG[Gly691Glu]GSKLALPTEN